The following is an entry in ClinVar:

ClinVar aggregate classification (germline): Uncertain significance (1 of 4 stars; one submission).

Conditions:
Rienhoff syndrome. Also called: LOEYS-DIETZ SYNDROME 5. Identifiers: MedGen C3810012, MONDO:0014262, OMIM 615582.

gnomAD v4.1: 2 of 1,614,174 alleles (0.00012%); highest among the groups gnomAD compares: Non-Finnish European, 0.00017%; no homozygotes.

Submission:

Labcorp Genetics (formerly Invitae), Labcorp
Classification: Uncertain significance for Rienhoff syndrome. Last evaluated: 2023-12-12. Review status: criteria provided, single submitter. Criteria: Invitae Variant Classification Sherloc (09022015). Collection method: clinical testing. Allele origin: germline.
Comment: This sequence change replaces serine, which is neutral and polar, with arginine, which is basic and polar, at codon 412 of the TGFB3 protein (p.Ser412Arg). This variant is not present in population databases (gnomAD no frequency). This variant has not been reported in the literature in individuals affected with TGFB3-related conditions. An algorithm developed to predict the effect of missense changes on protein structure and function (PolyPhen-2) suggests that this variant is likely to be disruptive. Algorithms developed to predict the effect of sequence changes on RNA splicing suggest that this variant may create or strengthen a splice site. In summary, the available evidence is currently insufficient to determine the role of this variant in disease. Therefore, it has been classified as a Variant of Uncertain Significance.

NM_003239.5(TGFB3):c.1236C>G (p.Ser412Arg)

Gene: TGFB3 (transforming growth factor beta 3; minus strand). Cytogenetic location: 14q24.3.
Variant type: single nucleotide variant.
Coding change: c.1236C>G on transcript NM_003239.5 (MANE Select); coding-DNA position 1236, C replaced by G.
Protein change: p.Ser412Arg; replaces serine 412 with arginine.
Molecular consequence: missense variant.
Genome position (GRCh38, 1-based): chr14:75,959,190, G>C on the plus strand (C>G on the coding strand, the complement: TGFB3 is on the minus strand). VCF-style: chr14-75959190-G-C. GRCh37 (hg19) VCF-style: chr14-76425533-G-C.
Other names: c.1236C>G, p.Ser412Arg (NM_001329939.2); short protein forms S412R.
Identifiers: ClinVar variation 2702561 (VCV002702561.3), dbSNP rs1231643522, ClinGen allele CA390466575.